The following is an entry in ClinVar:

NM_001384732.1(CPLANE1):c.3809T>C (p.Ile1270Thr)

Gene: CPLANE1 (ciliogenesis and planar polarity effector complex subunit 1; minus strand). Cytogenetic location: 5p13.2.
Variant type: single nucleotide variant.
Coding change: c.3809T>C on transcript NM_001384732.1 (MANE Select); coding-DNA position 3809, T replaced by C.
Protein change: p.Ile1270Thr; replaces isoleucine 1270 with threonine.
Molecular consequence: missense variant.
Genome position (GRCh38, 1-based): chr5:37,195,860, A>G on the plus strand (T>C on the coding strand, the complement: CPLANE1 is on the minus strand). VCF-style: chr5-37195860-A-G. GRCh37 (hg19) VCF-style: chr5-37195962-A-G.
Other names: c.3809T>C (NM_023073.3); c.3809T>C, p.Ile1270Thr (NM_023073.4); short protein forms I1270T.
Identifiers: ClinVar variation 2157514 (VCV002157514.5), dbSNP rs1466483851, ClinGen allele CA359509676.

ClinVar aggregate classification (germline): Uncertain significance. Review status: criteria provided, multiple submitters, no conflicts (2 of 4 stars). 2 submissions from 2 submitters: Uncertain significance (2). Last evaluated 2024-05-08.

Conditions:
Joubert syndrome 17 (JBTS17). Identifiers: Orphanet 475, MedGen C3553264, MONDO:0013824, OMIM 614615.
Orofaciodigital syndrome type 6 (OFD6). Also called: Oral-facial-digital syndrome type 6; Central polydactyly cleft lip/palate or lingual lump and psychomotor retardation; Y-shaped central metacarpal and cerebellar defect; Joubert syndrome with orofacialdigital anomalies; OROFACIODIGITAL SYNDROME VI; OFDS VI. Identifiers: Orphanet 2754, MedGen C2745997, MONDO:0010176, OMIM 277170.

Allele frequency attached by ClinVar (database versions not stated): gnomAD exomes below 0.00001.
gnomAD v4.1: 5 of 1,606,708 alleles (0.00031%); highest among the groups gnomAD compares: Non-Finnish European, 0.00042%; no homozygotes.

Submissions (2):

Fulgent Genetics
Classification: Uncertain significance for Orofaciodigital syndrome type 6; Joubert syndrome 17. Last evaluated: 2024-05-08. Review status: criteria provided, single submitter. Criteria: ACMG Guidelines, 2015. Collection method: clinical testing. Allele origin: germline.

Labcorp Genetics (formerly Invitae), Labcorp
Classification: Uncertain significance. Last evaluated: 2022-02-02. Review status: criteria provided, single submitter. Criteria: Invitae Variant Classification Sherloc (09022015). Collection method: clinical testing. Allele origin: germline.
Comment: This variant is present in population databases (no rsID available, gnomAD 0.0009%). In summary, the available evidence is currently insufficient to determine the role of this variant in disease. Therefore, it has been classified as a Variant of Uncertain Significance. Algorithms developed to predict the effect of missense changes on protein structure and function are either unavailable or do not agree on the potential impact of this missense change (SIFT: "Deleterious"; PolyPhen-2: "Benign"; Align-GVGD: "Class C0"). This variant has not been reported in the literature in individuals affected with CPLANE1-related conditions. This sequence change replaces isoleucine, which is neutral and non-polar, with threonine, which is neutral and polar, at codon 1270 of the CPLANE1 protein (p.Ile1270Thr).